The following is an entry in ClinVar:

NM_021167.5(GATAD1):c.374A>T (p.Asn125Ile)

Gene: GATAD1 (GATA zinc finger domain containing 1; plus strand). Cytogenetic location: 7q21.2.
Variant type: single nucleotide variant.
Coding change: c.374A>T on transcript NM_021167.5 (MANE Select); coding-DNA position 374, A replaced by T.
Protein change: p.Asn125Ile; replaces asparagine 125 with isoleucine.
Molecular consequence: missense variant. On other transcripts: non-coding transcript variant (1).
Genome position (GRCh38, 1-based): chr7:92,448,876, A>T. VCF-style: chr7-92448876-A-T. GRCh37 (hg19) VCF-style: chr7-92078190-A-T.
Other names: short protein forms N125I.
Identifiers: ClinVar variation 3227581 (VCV003227581.1), dbSNP rs200608757, ClinGen allele CA4340254.
Genomic context (GRCh38, chr7:92,448,876, plus strand): 5'-CTGCTGAAAAGAAAGTCTCCACCAAAGGAAAAGGGAGAAGACATATATTTAAATTGAAAA[A>T]TGTAAGATATTTGTGGACAGTGCCTTTTACTGTAATGACGTTGTGTGTATCCTGCCACTG-3'
Protein context (NP_066990.3, residues 115-135): KGRRHIFKLK[Asn125Ile]PIKAPESVST

ClinVar aggregate classification (germline): Uncertain significance (1 of 4 stars; one submission).

Conditions:
Cardiovascular phenotype. Identifiers: MedGen CN230736.

Allele frequency attached by ClinVar (database versions not stated): gnomAD exomes below 0.00001; TOPMed below 0.00001; ExAC 0.00001; gnomAD 0.00001.
gnomAD v4.1: 6 of 1,611,672 alleles (0.00037%); highest among the groups gnomAD compares: Non-Finnish European, 0.00051%; no homozygotes.

Submission:

Ambry Genetics
Classification: Uncertain significance for Cardiovascular phenotype. Last evaluated: 2024-01-16. Review status: criteria provided, single submitter. Criteria: Ambry Variant Classification Scheme 2023. Collection method: clinical testing. Allele origin: germline.
Comment: The p.N125I variant (also known as c.374A>T), located in coding exon 2 of the GATAD1 gene, results from an A to T substitution at nucleotide position 374. The asparagine at codon 125 is replaced by isoleucine, an amino acid with dissimilar properties. This amino acid position is conserved. In addition, the in silico prediction for this alteration is inconclusive. Since supporting evidence is limited at this time, the clinical significance of this alteration remains unclear.